The following is an entry in ClinVar:

NM_015559.3(SETBP1):c.487-2A>G

Gene: SETBP1 (SET binding protein 1; plus strand). Cytogenetic location: 18q12.3.
Variant type: single nucleotide variant.
Coding change: c.487-2A>G on transcript NM_015559.3 (MANE Select); the canonical splice acceptor site of the intron before coding-DNA position 487, A replaced by G.
Molecular consequence: splice acceptor variant.
Genome position (GRCh38, 1-based): chr18:44,869,228, A>G. VCF-style: chr18-44869228-A-G. GRCh37 (hg19) VCF-style: chr18-42449193-A-G.
Other names: c.487-2A>G (NM_001379141.1, NM_001130110.2, NM_001410862.1 and 1 more transcripts).
Identifiers: ClinVar variation 1310084 (VCV001310084.2), dbSNP rs2144680548, ClinGen allele CA402482697.

ClinVar aggregate classification (germline): Uncertain significance (1 of 4 stars; one submission).

Allele frequency attached by ClinVar (database versions not stated): gnomAD exomes below 0.00001.
gnomAD v4.1: 1 of 1,614,018 alleles (0.000062%); highest among the groups gnomAD compares: Non-Finnish European, 0.000085%; no homozygotes.

Submission:

GeneDx
Classification: Uncertain significance. Last evaluated: 2019-11-20. Review status: criteria provided, single submitter. Criteria: GeneDx Variant Classification Process June 2021. Collection method: clinical testing. Allele origin: germline. Affected: yes.
Comment: Not observed in large population cohorts (Lek et al., 2016); Canonical splice site variant predicted to result in an in-frame deletion of exon 3; Has not been previously published as pathogenic or benign to our knowledge